The following is an entry in ClinVar:

NM_004612.4(TGFBR1):c.229T>G (p.Leu77Val)

Gene: TGFBR1 (transforming growth factor beta receptor 1; plus strand). Cytogenetic location: 9q22.33.
Variant type: single nucleotide variant.
Coding change: c.229T>G on transcript NM_004612.4 (MANE Select); coding-DNA position 229, T replaced by G.
Protein change: p.Leu77Val; replaces leucine 77 with valine.
Molecular consequence: missense variant. On other transcripts: non-coding transcript variant (4), intron variant (3).
Genome position (GRCh38, 1-based): chr9:99,128,986, T>G. VCF-style: chr9-99128986-T-G. GRCh37 (hg19) VCF-style: chr9-101891268-T-G.
Other names: c.229T>G, p.Leu77Val (NM_001130916.3, NM_001306210.2, NM_001407416.1 and 2 more transcripts); c.22T>G, p.Leu8Val (NM_001407418.1, NM_001407419.1, NM_001407420.1 and 12 more transcripts); c.98-3523T>G (NM_001407436.1); c.98-8873T>G (NM_001407438.1); c.98-13550T>G (NM_001407437.1); short protein forms L8V, L77V.
Identifiers: ClinVar variation 3635873 (VCV003635873.2).

ClinVar aggregate classification (germline): Uncertain significance (1 of 4 stars; one submission).

Conditions:
Familial thoracic aortic aneurysm and aortic dissection (TAAD). Also called: Thoracic aortic aneurysms and dissections. Identifiers: Orphanet 91387, MedGen C4707243, MONDO:0019625.

Submission:

Labcorp Genetics (formerly Invitae), Labcorp
Classification: Uncertain significance for Familial thoracic aortic aneurysm and aortic dissection. Last evaluated: 2025-01-27. Review status: criteria provided, single submitter. Criteria: Invitae Variant Classification Sherloc (09022015). Collection method: clinical testing. Allele origin: germline.
Comment: This sequence change replaces leucine, which is neutral and non-polar, with valine, which is neutral and non-polar, at codon 77 of the TGFBR1 protein (p.Leu77Val). This variant is not present in population databases (gnomAD no frequency). This variant has not been reported in the literature in individuals affected with TGFBR1-related conditions. Invitae Evidence Modeling of protein sequence and biophysical properties (such as structural, functional, and spatial information, amino acid conservation, physicochemical variation, residue mobility, and thermodynamic stability) indicates that this missense variant is not expected to disrupt TGFBR1 protein function with a negative predictive value of 95%. In summary, the available evidence is currently insufficient to determine the role of this variant in disease. Therefore, it has been classified as a Variant of Uncertain Significance.